The following is an entry in ClinVar:

NM_002585.4(PBX1):c.1265G>A (p.Gly422Asp)

Gene: PBX1 (PBX homeobox 1; plus strand). Cytogenetic location: 1q23.3.
Variant type: single nucleotide variant.
Coding change: c.1265G>A on transcript NM_002585.4 (MANE Select); coding-DNA position 1265, G replaced by A.
Protein change: p.Gly422Asp; replaces glycine 422 with aspartic acid.
Molecular consequence: missense variant. On other transcripts: 3 prime UTR variant (1), intron variant (2).
Genome position (GRCh38, 1-based): chr1:164,846,648, G>A. VCF-style: chr1-164846648-G-A. GRCh37 (hg19) VCF-style: chr1-164815885-G-A.
Other names: c.*108G>A (NM_001204961.2); c.1016G>A, p.Gly339Asp (NM_001353130.1); c.*43+25022G>A (NM_001353131.2); c.1201-2692G>A (NM_001204963.2); short protein forms G339D, G422D.
Identifiers: ClinVar variation 2551815 (VCV002551815.8), dbSNP rs150307059, ClinGen allele CA1219551.

ClinVar aggregate classification (germline): Uncertain significance. Review status: criteria provided, multiple submitters, no conflicts (2 of 4 stars). 4 submissions from 4 submitters: Uncertain significance (4). Last evaluated 2025-05-26.

Conditions:
PBX1-related disorder. Also called: PBX1-related condition.
Congenital anomalies of kidney and urinary tract syndrome with or without hearing loss, abnormal ears, or developmental delay. Also called: Congenital Anomalies of the Kidney and Urinary Tract syndrome with or without Hearing Loss, Abnormal Ears, or Developmental Delay. Identifiers: Orphanet 656130, MedGen C4539968, MONDO:0060549, OMIM 617641.
Inborn genetic diseases. Identifiers: MedGen C0950123, MeSH D030342.

Allele frequency attached by ClinVar (database versions not stated): ExAC 0.00002; gnomAD 0.00002; TOPMed 0.00002; ESP Exome Variant Server 0.00015.
gnomAD v4.1: 98 of 1,613,950 alleles (0.0061%); highest among the groups gnomAD compares: Non-Finnish European, 0.0079%; no homozygotes.

Submissions (4):

Ambry Genetics
Classification: Uncertain significance for Inborn genetic diseases. Last evaluated: 2025-05-26. Review status: criteria provided, single submitter. Criteria: Ambry Variant Classification Scheme 2023. Collection method: clinical testing. Allele origin: germline.

Fulgent Genetics
Classification: Uncertain significance for Congenital anomalies of kidney and urinary tract syndrome with or without hearing loss, abnormal ears, or developmental delay. Last evaluated: 2024-04-20. Review status: criteria provided, single submitter. Criteria: ACMG Guidelines, 2015. Collection method: clinical testing. Allele origin: germline.

Labcorp Genetics (formerly Invitae), Labcorp
Classification: Uncertain significance. Last evaluated: 2023-12-19. Review status: criteria provided, single submitter. Criteria: Invitae Variant Classification Sherloc (09022015). Collection method: clinical testing. Allele origin: germline.
Comment: This sequence change replaces glycine, which is neutral and non-polar, with aspartic acid, which is acidic and polar, at codon 422 of the PBX1 protein (p.Gly422Asp). This variant is present in population databases (rs150307059, gnomAD 0.004%). This variant has not been reported in the literature in individuals affected with PBX1-related conditions. ClinVar contains an entry for this variant (Variation ID: 2551815). An algorithm developed to predict the effect of missense changes on protein structure and function (PolyPhen-2) suggests that this variant is likely to be tolerated. In summary, the available evidence is currently insufficient to determine the role of this variant in disease. Therefore, it has been classified as a Variant of Uncertain Significance.

PreventionGenetics, part of Exact Sciences
Classification: Uncertain significance for PBX1-related condition. Last evaluated: 2022-12-21. Review status: criteria provided, single submitter. Criteria: ACMG Guidelines, 2015. Collection method: clinical testing. Allele origin: germline.
Comment: The PBX1 c.1265G>A variant is predicted to result in the amino acid substitution p.Gly422Asp. To our knowledge, this variant has not been reported in the literature. This variant is reported in 0.0053% of alleles in individuals of European (Non-Finnish) descent in gnomAD. At this time, the clinical significance of this variant is uncertain due to the absence of conclusive functional and genetic evidence.